The following is an entry in ClinVar:

ClinVar aggregate classification (germline): Uncertain significance. Review status: criteria provided, multiple submitters, no conflicts (2 of 4 stars). 3 submissions from 3 submitters: Uncertain significance (3). Last evaluated 2023-04-11.

Conditions:
Primary dilated cardiomyopathy (DCM). Also called: Dilated Cardiomyopathy. Identifiers: Orphanet 217604, MedGen C0007193, MeSH D002311, MONDO:0005021, HP:0001644. Inheritance: Various modes of inheritance.
Hypertrophic cardiomyopathy. Also called: HYPERTROPHIC MYOCARDIOPATHY. Identifiers: Orphanet 217569, MedGen C0007194, MeSH D002312, MONDO:0005045, HP:0001639.

Submissions (3):

Molecular Genetics, Royal Melbourne Hospital
Classification: Uncertain significance for Primary dilated cardiomyopathy. Last evaluated: 2023-04-11. Review status: criteria provided, single submitter. Criteria: ACMG Guidelines, 2015. Collection method: clinical testing. Allele origin: germline. Affected: yes.
Comment: This sequence change in TPM1 is predicted to replace glutamic acid with alanine at codon 33, p.(Glu33Ala). The glutamic acid residue is highly conserved (94/94 vertebrates, UCSC), and is located in the coiled-coiled domain. There is a large physicochemical difference between glutamic acid and alanine. TPM1, in which the variant was identified, is a gene that has a low rate of benign missense variation and where pathogenic missense variants are a common mechanism of disease (gnomAD v2.1 missense constraint score = 0.37). This variant is absent from the population database gnomAD v2.1 and v3.1. This variant has been detected in at least two probands with a phenotype consistent with TPM1-related cardiac conditions (Royal Melbourne Hospital; Invitae). Computational evidence predicts a deleterious effect for the missense substitution (REVEL = 0.703). Another missense variant c.97G>A, p.(Glu33Lys) in the same codon has been reported in individuals with dilated cardiomyopathy (PMID: 24503780, 30847666, 30923642). Based on the classification scheme RMH Modified ACMG/AMP Guidelines v1.6.1, this variant is classified as a VARIANT OF UNCERTAIN SIGNIFICANCE. Following criteria are met: PS4_Supporting, PM2_Supporting, PP2, PP3.

GeneDx
Classification: Uncertain significance. Last evaluated: 2021-03-24. Review status: criteria provided, single submitter. Criteria: GeneDx Variant Classification Process June 2021. Collection method: clinical testing. Allele origin: germline. Affected: yes.
Comment: Has not been previously published as pathogenic or benign to our knowledge; Reported in ClinVar as a variant of uncertain significance (ClinVar Variant ID# 265279; Landrum et al., 2016); Not observed in large population cohorts (Lek et al., 2016); In silico analysis supports that this missense variant has a deleterious effect on protein structure/function

Labcorp Genetics (formerly Invitae), Labcorp
Classification: Uncertain significance for Hypertrophic cardiomyopathy. Last evaluated: 2017-04-13. Review status: criteria provided, single submitter. Criteria: Invitae Variant Classification Sherloc (09022015). Collection method: clinical testing. Allele origin: germline.
Comment: In summary, this variant is a rare missense change with uncertain impact on protein function. While it is absent from the population and reported in an affected individual, the available evidence is currently insufficient to determine its role in disease. Therefore, it has been classified as a Variant of Uncertain Significance. Algorithms developed to predict the effect of missense changes on protein structure and function do not agree on the potential impact of this missense change (SIFT: "Tolerated"; PolyPhen-2: "Probably Damaging"; Align-GVGD: "Class C0"). This variant has been reported in an individual affected with dilated cardiomyopathy (PMID: 24503780). ClinVar contains an entry for this variant (Variation ID: 265279). This variant is not present in population databases (ExAC no frequency). This sequence change replaces glutamic acid with alanine at codon 33 of the TPM1 protein (p.Glu33Ala). The glutamic acid residue is moderately conserved and there is a moderate physicochemical difference between glutamic acid and alanine.

Literature cited by the submitters: PubMed 24503780 (cited by Molecular Genetics, Royal Melbourne Hospital and Labcorp Genetics (formerly Invitae), Labcorp); PubMed 30847666 (cited by Molecular Genetics, Royal Melbourne Hospital); PubMed 30923642 (cited by Molecular Genetics, Royal Melbourne Hospital).

NM_001018005.2(TPM1):c.98A>C (p.Glu33Ala)

Gene: TPM1 (tropomyosin 1; plus strand). Cytogenetic location: 15q22.2.
Variant type: single nucleotide variant.
Coding change: c.98A>C on transcript NM_001018005.2 (MANE Select); coding-DNA position 98, A replaced by C.
Protein change: p.Glu33Ala; replaces glutamic acid 33 with alanine.
Molecular consequence: missense variant.
Genome position (GRCh38, 1-based): chr15:63,042,927, A>C. VCF-style: chr15-63042927-A-C. GRCh37 (hg19) VCF-style: chr15-63335126-A-C.
Other names: c.98A>C, p.Glu33Ala (NM_000366.6, NM_001018004.2, NM_001018006.2 and 7 more transcripts); short protein forms E33A.
Identifiers: ClinVar variation 265279 (VCV000265279.11), dbSNP rs886039444, ClinGen allele CA10588591.